The following is an entry in ClinVar:

NM_005236.3(ERCC4):c.*3200A>G

Gene: ERCC4 (ERCC excision repair 4, endonuclease catalytic subunit; plus strand). Cytogenetic location: 16p13.12.
Variant type: single nucleotide variant.
Coding change: c.*3200A>G on transcript NM_005236.3 (MANE Select); 3200 bases downstream of the stop codon, A replaced by G.
Molecular consequence: 3 prime UTR variant.
Genome position (GRCh38, 1-based): chr16:13,951,547, A>G. VCF-style: chr16-13951547-A-G. GRCh37 (hg19) VCF-style: chr16-14045404-A-G.
Identifiers: ClinVar variation 317869 (VCV000317869.5), dbSNP rs8056393, ClinGen allele CA10646989.
Genomic context (GRCh38, chr16:13,951,547, plus strand): 5'-GGTCATAAATATTATCCTTTTGGCAGTAAGCTATTACTAATTCAGCCTGAAGCTCGGTAG[A>G]CAATATGTCTACATGTGTTTGAGTACATCCTGGATACAGTTTCCCAGCTCATGAGGGACT-3'

ClinVar aggregate classification (germline): Likely benign (1 of 4 stars; one submission).

Conditions:
Xeroderma pigmentosum, group F (XPF). Also called: XERODERMA PIGMENTOSUM, COMPLEMENTATION GROUP F; XERODERMA PIGMENTOSUM VI; XP, GROUP F; ERCC4-Related Xeroderma Pigmentosum; XERODERMA PIGMENTOSUM, TYPE F; Xeroderma pigmentosum, type 6. Identifiers: MedGen C0268140, MONDO:0010215, OMIM 278760.

Allele frequency attached by ClinVar (database versions not stated): gnomAD exomes 0.00121; 1000 Genomes Project 30x 0.00406; 1000 Genomes Project 0.00419; gnomAD 0.00516 and 0.00563; TOPMed 0.00584.
gnomAD v4.1: 866 of 212,732 alleles (0.41%); highest among the groups gnomAD compares: African/African-American, 1.7%; 10 homozygotes.

Submission:

Illumina Laboratory Services, Illumina
Classification: Likely benign for Xeroderma pigmentosum, group F. Last evaluated: 2018-01-13. Review status: criteria provided, single submitter. Criteria: ICSL Variant Classification Criteria 13 December 2019. Collection method: clinical testing. Allele origin: germline.
Comment: This variant was observed in the ICSL laboratory as part of a predisposition screen in an ostensibly healthy population. It had not been previously curated by ICSL or reported in the Human Gene Mutation Database (HGMD: prior to June 1st, 2018), and was therefore a candidate for classification through an automated scoring system. Utilizing variant allele frequency, disease prevalence and penetrance estimates, and inheritance mode, an automated score was calculated to assess if this variant is too frequent to cause the disease. Based on the score and internal cut-off values, a variant classified as likely benign is not then subjected to further curation. The score for this variant resulted in a classification of likely benign for this disease.